The following is an entry in ClinVar:

ClinVar aggregate classification (germline): Uncertain significance. Review status: criteria provided, multiple submitters, no conflicts (2 of 4 stars). 2 submissions from 2 submitters: Uncertain significance (2). Last evaluated 2024-01-02.

Conditions:
Hereditary spastic paraplegia 48. Also called: SPASTIC PARAPLEGIA 48, AUTOSOMAL RECESSIVE; Spastic paraplegia 48. Identifiers: Orphanet 306511, MedGen C3150901, MONDO:0013342, OMIM 613647.
Inborn genetic diseases. Identifiers: MedGen C0950123, MeSH D030342.

Allele frequency attached by ClinVar (database versions not stated): ExAC 0.00001; gnomAD 0.00003; TOPMed 0.00003.
gnomAD v4.1: 9 of 1,561,674 alleles (0.00058%); highest among the groups gnomAD compares: African/African-American, 0.0094%; no homozygotes.

Submissions (2):

Ambry Genetics
Classification: Uncertain significance for Inborn genetic diseases. Last evaluated: 2024-01-02. Review status: criteria provided, single submitter. Criteria: Ambry Variant Classification Scheme 2023. Collection method: clinical testing. Allele origin: germline.

Labcorp Genetics (formerly Invitae), Labcorp
Classification: Uncertain significance for Hereditary spastic paraplegia 48. Last evaluated: 2022-08-22. Review status: criteria provided, single submitter. Criteria: Invitae Variant Classification Sherloc (09022015). Collection method: clinical testing. Allele origin: germline.
Comment: This variant is present in population databases (rs750649378, gnomAD 0.01%). In summary, the available evidence is currently insufficient to determine the role of this variant in disease. Therefore, it has been classified as a Variant of Uncertain Significance. Algorithms developed to predict the effect of missense changes on protein structure and function are either unavailable or do not agree on the potential impact of this missense change (SIFT: "Deleterious"; PolyPhen-2: "Possibly Damaging"; Align-GVGD: "Class C0"). This variant has not been reported in the literature in individuals affected with AP5Z1-related conditions. This sequence change replaces alanine, which is neutral and non-polar, with valine, which is neutral and non-polar, at codon 121 of the AP5Z1 protein (p.Ala121Val).

NM_014855.3(AP5Z1):c.362C>T (p.Ala121Val)

Gene: AP5Z1 (adaptor related protein complex 5 subunit zeta 1; plus strand). Cytogenetic location: 7p22.1.
Variant type: single nucleotide variant.
Coding change: c.362C>T on transcript NM_014855.3 (MANE Select); coding-DNA position 362, C replaced by T.
Protein change: p.Ala121Val; replaces alanine 121 with valine.
Molecular consequence: missense variant. On other transcripts: non-coding transcript variant (1), intron variant (1).
Genome position (GRCh38, 1-based): chr7:4,781,750, C>T. VCF-style: chr7-4781750-C-T. GRCh37 (hg19) VCF-style: chr7-4821381-C-T.
Other names: c.362C>T (NM_014855.2); c.-103+438C>T (NM_001364858.1); short protein forms A121V.
Identifiers: ClinVar variation 2176735 (VCV002176735.5), dbSNP rs750649378, ClinGen allele CA4137154.